The following is an entry in ClinVar:

ClinVar aggregate classification (germline): Uncertain significance (1 of 4 stars; one submission).

Conditions:
Al Kaissi syndrome. Also called: GROWTH RETARDATION, SPINE MALFORMATION, DYSMORPHIC FACIES, AND DEVELOPMENTAL DELAY. Identifiers: MedGen C4540156, MONDO:0044324, OMIM 617694.

Submission:

3billion
Classification: Uncertain significance for Al Kaissi syndrome. Last evaluated: 2024-02-01. Review status: criteria provided, single submitter. Criteria: ACMG Guidelines, 2015. Collection method: clinical testing. Allele origin: germline. Affected: yes.
Comment: The variant is not observed in the gnomAD v2.1.1 dataset. Predicted Consequence/Location: The majority of the known disease-causing variants of this gene are variants expected to result in premature termination of the protein. In silico tool predictions suggest damaging effect of the variant on gene or gene product [REVEL: 0.96 (>=0.6, sensitivity 0.68 and specificity 0.92)]. Therefore, this variant is classified as VUS according to the recommendation of ACMG/AMP guideline.

NM_052988.5(CDK10):c.202A>G (p.Lys68Glu)

Gene: CDK10 (cyclin dependent kinase 10; plus strand). Cytogenetic location: 16q24.3.
Variant type: single nucleotide variant.
Coding change: c.202A>G on transcript NM_052988.5 (MANE Select); coding-DNA position 202, A replaced by G.
Protein change: p.Lys68Glu; replaces lysine 68 with glutamic acid.
Molecular consequence: missense variant. On other transcripts: 5 prime UTR variant (3), non-coding transcript variant (2).
Genome position (GRCh38, 1-based): chr16:89,690,594, A>G. VCF-style: chr16-89690594-A-G. GRCh37 (hg19) VCF-style: chr16-89757002-A-G.
Other names: c.-12A>G (NM_001098533.3, NM_001160367.2, NM_052987.4); short protein forms K68E.
Identifiers: ClinVar variation 3776149 (VCV003776149.1).
Genomic context (GRCh38, chr16:89,690,594, plus strand): 5'-CAATGTGTTTCCATTCCAGATCGGGCCCGGGACACCCAGACAGATGAGATTGTCGCACTG[A>G]AGAAGGTGCGGATGGACAAGGAGAAGGATGGTGAGCAGGAAATTGGGGTGTTGGGACCTC-3'
Protein context (NP_443714.3, residues 58-78): DTQTDEIVAL[Lys68Glu]KVRMDKEKDG